The following is an entry in ClinVar:

ClinVar aggregate classification (germline): Uncertain significance (1 of 4 stars; one submission).

Conditions:
Inborn genetic diseases. Identifiers: MedGen C0950123, MeSH D030342.

Submission:

Ambry Genetics
Classification: Uncertain significance for Inborn genetic diseases. Last evaluated: 2022-05-29. Review status: criteria provided, single submitter. Criteria: Ambry Variant Classification Scheme 2023. Collection method: clinical testing. Allele origin: germline.
Comment: The p.S837C variant (also known as c.2510C>G), located in coding exon 11 of the ATR gene, results from a C to G substitution at nucleotide position 2510. The serine at codon 837 is replaced by cysteine, an amino acid with dissimilar properties. This amino acid position is conserved. In addition, this alteration is predicted to be tolerated by in silico analysis. Since supporting evidence is limited at this time, the clinical significance of this alteration remains unclear.

NM_001184.4(ATR):c.2510C>G (p.Ser837Cys)

Gene: ATR (ATR checkpoint kinase; minus strand). Cytogenetic location: 3q23.
Variant type: single nucleotide variant.
Coding change: c.2510C>G on transcript NM_001184.4 (MANE Select); coding-DNA position 2510, C replaced by G.
Protein change: p.Ser837Cys; replaces serine 837 with cysteine.
Molecular consequence: missense variant.
Genome position (GRCh38, 1-based): chr3:142,553,847, G>C on the plus strand (C>G on the coding strand, the complement: ATR is on the minus strand). VCF-style: chr3-142553847-G-C. GRCh37 (hg19) VCF-style: chr3-142272689-G-C.
Other names: c.2318C>G, p.Ser773Cys (NM_001354579.2); short protein forms S773C, S837C.
Identifiers: ClinVar variation 1792398 (VCV001792398.2), dbSNP rs2108465052, ClinGen allele CA354816212.
Genomic context (GRCh38, chr3:142,553,847, plus strand): 5'-TGACGTAAACTCAAATGTTAAAAACAAAAATTATCAACCTCCTTTATAAATCCATCTTCA[G>C]AGTCCAAGGATTCCAATATGTGCTTGATATTTCCACTAAAAGCCACTCTAACATCTTTGT-3'
Protein context (NP_001175.2, residues 827-847): NIKHILESLD[Ser837Cys]EDGFIKELFV